The following is an entry in ClinVar:

NM_001253852.3(AP4B1):c.868C>T (p.Arg290Cys)

Genes: AP4B1 (adaptor related protein complex 4 subunit beta 1; minus strand), AP4B1-AS1 (AP4B1 antisense RNA 1; plus strand). Cytogenetic location: 1p13.2.
Variant type: single nucleotide variant.
Coding change: c.868C>T on transcript NM_001253852.3 (MANE Select); coding-DNA position 868, C replaced by T.
Protein change: p.Arg290Cys; replaces arginine 290 with cysteine.
Molecular consequence: missense variant. On other transcripts: non-coding transcript variant (2).
Genome position (GRCh38, 1-based): chr1:113,900,150, G>A on the plus strand (C>T on the coding strand, the complement: AP4B1 is on the minus strand). VCF-style: chr1-113900150-G-A. GRCh37 (hg19) VCF-style: chr1-114442772-G-A.
Other names: c.571C>T, p.Arg191Cys (NM_001253853.3); c.364C>T, p.Arg122Cys (NM_001308312.2); c.868C>T, p.Arg290Cys (NM_006594.5); short protein forms R290C, R122C, R191C.
Identifiers: ClinVar variation 588429 (VCV000588429.5), dbSNP rs370455247, ClinGen allele CA1015994.

ClinVar aggregate classification (germline): Uncertain significance (1 of 4 stars; one submission).

Conditions:
Inborn genetic diseases. Identifiers: MedGen C0950123, MeSH D030342.

Allele frequency attached by ClinVar (database versions not stated): gnomAD 0.00001; ESP Exome Variant Server 0.00008; ExAC 0.00001; TOPMed 0.00002; gnomAD exomes below 0.00001.
gnomAD v4.1: 8 of 1,614,040 alleles (0.0005%); highest among the groups gnomAD compares: African/African-American, 0.0027%; no homozygotes.

Submission:

Ambry Genetics
Classification: Uncertain significance for Inborn genetic diseases. Last evaluated: 2016-11-11. Review status: criteria provided, single submitter. Criteria: Ambry Variant Classification Scheme 2023. Collection method: clinical testing. Allele origin: germline.
Comment: The p.R290C variant (also known as c.868C>T), located in coding exon 5 of the AP4B1 gene, results from a C to T substitution at nucleotide position 868. The arginine at codon 290 is replaced by cysteine, an amino acid with highly dissimilar properties. This variant was not reported in population based cohorts in the following databases: Database of Single Nucleotide Polymorphisms (dbSNP) and 1000 Genomes Project. Based on data from the NHLBI Exome Sequencing Project (ESP), the T allele has an overall frequency of approximately 0.01% (1/13006) total alleles studied, having been observed in 0.02% (1/4406) African American alleles. This amino acid position is highly conserved in available vertebrate species. In addition, the in silico prediction for this alteration is inconclusive. Since supporting evidence is limited at this time, the clinical significance of this variant remains unclear.